The following is an entry in ClinVar:

NM_199420.4(POLQ):c.4184T>C (p.Val1395Ala)

Gene: POLQ (DNA polymerase theta; minus strand). Cytogenetic location: 3q13.33.
Variant type: single nucleotide variant.
Coding change: c.4184T>C on transcript NM_199420.4 (MANE Select); coding-DNA position 4184, T replaced by C.
Protein change: p.Val1395Ala; replaces valine 1395 with alanine.
Molecular consequence: missense variant.
Genome position (GRCh38, 1-based): chr3:121,488,747, A>G on the plus strand (T>C on the coding strand, the complement: POLQ is on the minus strand). VCF-style: chr3-121488747-A-G. GRCh37 (hg19) VCF-style: chr3-121207594-A-G.
Other names: short protein forms V1395A.
Identifiers: ClinVar variation 2448920 (VCV002448920.2), dbSNP rs2546786230, ClinGen allele CA354095854.

ClinVar aggregate classification (germline): Uncertain significance (1 of 4 stars; one submission).

Submission:

Ambry Genetics
Classification: Uncertain significance. Last evaluated: 2022-11-26. Review status: criteria provided, single submitter. Criteria: Ambry Variant Classification Scheme 2023. Collection method: clinical testing. Allele origin: germline.
Comment: The p.V1395A variant (also known as c.4184T>C), located in coding exon 16 of the POLQ gene, results from a T to C substitution at nucleotide position 4184. The valine at codon 1395 is replaced by alanine, an amino acid with similar properties. This amino acid position is conserved. In addition, this alteration is predicted to be tolerated by in silico analysis. Since supporting evidence is limited at this time, the clinical significance of this alteration remains unclear.